The following is an entry in ClinVar:

NM_015272.5(RPGRIP1L):c.140G>A (p.Arg47His)

Gene: RPGRIP1L (RPGRIP1 like; minus strand). Cytogenetic location: 16q12.2.
Variant type: single nucleotide variant.
Coding change: c.140G>A on transcript NM_015272.5 (MANE Select); coding-DNA position 140, G replaced by A.
Protein change: p.Arg47His; replaces arginine 47 with histidine.
Molecular consequence: missense variant.
Genome position (GRCh38, 1-based): chr16:53,696,241, C>T on the plus strand (G>A on the coding strand, the complement: RPGRIP1L is on the minus strand). VCF-style: chr16-53696241-C-T. GRCh37 (hg19) VCF-style: chr16-53730153-C-T.
Other names: c.140G>A (NM_015272.4); c.140G>A, p.Arg47His (NM_001127897.4, NM_001308334.3, NM_001328422.2 and 2 more transcripts); short protein forms R47H.
Identifiers: ClinVar variation 1020509 (VCV001020509.7), dbSNP rs773558676, ClinGen allele CA8058203.

ClinVar aggregate classification (germline): Uncertain significance. Review status: criteria provided, multiple submitters, no conflicts (2 of 4 stars). 4 submissions from 4 submitters: Uncertain significance (3). 1 of the submissions does not count toward it. Last evaluated 2025-08-20.

Conditions:
Joubert syndrome. Also called: Familial aplasia of the vermis; JOUBERT-BOLTSHAUSER SYNDROME. Identifiers: Orphanet 475, MedGen C5979921, MONDO:0018772.
COACH syndrome 3. Identifiers: MedGen C5436841, MONDO:0030862, OMIM 619113.
Meckel syndrome, type 5 (MKS5). Identifiers: Orphanet 564, MedGen C1969052, MONDO:0012695, OMIM 611561.
Joubert syndrome 7 (JBTS7). Identifiers: Orphanet 220497, MedGen C1969053, MONDO:0012694, OMIM 611560.
RPGRIP1L-related disorder. Also called: RPGRIP1L-related disorders; RPGRIP1L-related condition. Identifiers: MedGen CN239416.
Meckel-Gruber syndrome. Also called: DYSENCEPHALIA SPLANCHNOCYSTICA; GRUBER SYNDROME; Dysencephalia splachnocystica. Identifiers: Orphanet 564, MedGen C0265215, MONDO:0018921.

Allele frequency attached by ClinVar (database versions not stated): gnomAD 0.00003; TOPMed 0.00005.
gnomAD v4.1: 13 of 1,613,902 alleles (0.00081%); highest among the groups gnomAD compares: African/African-American, 0.0067%; no homozygotes.

Submissions (4):

PreventionGenetics, part of Exact Sciences
Classification: Uncertain significance for RPGRIP1L-related condition. Last evaluated: 2025-08-20. Review status: criteria provided, single submitter. Criteria: ACMG Guidelines, 2015. Collection method: clinical testing. Allele origin: germline.
Comment: The RPGRIP1L c.140G>A variant is predicted to result in the amino acid substitution p.Arg47His. To our knowledge, this variant has not been reported in the literature. This variant is reported in 0.0065% of alleles in individuals of South Asian descent in gnomAD. At this time, the clinical significance of this variant is uncertain due to the absence of conclusive functional and genetic evidence.

Fulgent Genetics
Classification: Uncertain significance for Joubert syndrome 7; Meckel syndrome, type 5; COACH syndrome 3. Last evaluated: 2024-05-31. Review status: criteria provided, single submitter. Criteria: ACMG Guidelines, 2015. Collection method: clinical testing. Allele origin: germline.

Labcorp Genetics (formerly Invitae), Labcorp
Classification: Uncertain significance for Joubert syndrome; Meckel-Gruber syndrome. Last evaluated: 2022-08-16. Review status: criteria provided, single submitter. Criteria: Invitae Variant Classification Sherloc (09022015). Collection method: clinical testing. Allele origin: germline.
Comment: This sequence change replaces arginine, which is basic and polar, with histidine, which is basic and polar, at codon 47 of the RPGRIP1L protein (p.Arg47His). This variant is present in population databases (rs773558676, gnomAD 0.006%). This variant has not been reported in the literature in individuals affected with RPGRIP1L-related conditions. ClinVar contains an entry for this variant (Variation ID: 1020509). Algorithms developed to predict the effect of missense changes on protein structure and function (SIFT, PolyPhen-2, Align-GVGD) all suggest that this variant is likely to be disruptive. In summary, the available evidence is currently insufficient to determine the role of this variant in disease. Therefore, it has been classified as a Variant of Uncertain Significance.

Natera, Inc.
Classification: Uncertain significance for Joubert syndrome. Last evaluated: 2020-12-26. Review status: no assertion criteria provided. Collection method: clinical testing. Allele origin: germline. Not counted in ClinVar's aggregate classification.